The following is an entry in ClinVar:

ClinVar aggregate classification (germline): Uncertain significance. Review status: criteria provided, multiple submitters, no conflicts (2 of 4 stars). 3 submissions from 3 submitters: Uncertain significance (3). Last evaluated 2025-06-19.

Conditions:
Inborn genetic diseases. Identifiers: MedGen C0950123, MeSH D030342.

Allele frequency attached by ClinVar (database versions not stated): TOPMed 0.00001; ExAC 0.00002; gnomAD exomes 0.00002.
gnomAD v4.1: 31 of 1,614,066 alleles (0.0019%); highest among the groups gnomAD compares: Non-Finnish European, 0.0026%; no homozygotes.

Submissions (3):

Ambry Genetics
Classification: Uncertain significance for Inborn genetic diseases. Last evaluated: 2025-06-19. Review status: criteria provided, single submitter. Criteria: Ambry Variant Classification Scheme 2023. Collection method: clinical testing. Allele origin: germline.

Blueprint Genetics
Classification: Uncertain significance. Last evaluated: 2023-10-31. Review status: criteria provided, single submitter. Criteria: ACMG Guidelines, 2015. Collection method: clinical testing. Allele origin: germline.

Labcorp Genetics (formerly Invitae), Labcorp
Classification: Uncertain significance. Last evaluated: 2022-10-04. Review status: criteria provided, single submitter. Criteria: Invitae Variant Classification Sherloc (09022015). Collection method: clinical testing. Allele origin: germline.
Comment: This sequence change replaces isoleucine, which is neutral and non-polar, with lysine, which is basic and polar, at codon 182 of the PDE6A protein (p.Ile182Lys). This variant is present in population databases (rs773613457, gnomAD 0.004%). This variant has not been reported in the literature in individuals affected with PDE6A-related conditions. ClinVar contains an entry for this variant (Variation ID: 1512839). Advanced modeling of protein sequence and biophysical properties (such as structural, functional, and spatial information, amino acid conservation, physicochemical variation, residue mobility, and thermodynamic stability) performed at Invitae indicates that this missense variant is expected to disrupt PDE6A protein function. In summary, the available evidence is currently insufficient to determine the role of this variant in disease. Therefore, it has been classified as a Variant of Uncertain Significance.

NM_000440.3(PDE6A):c.545T>A (p.Ile182Lys)

Gene: PDE6A (phosphodiesterase 6A; minus strand). Cytogenetic location: 5q32.
Variant type: single nucleotide variant.
Coding change: c.545T>A on transcript NM_000440.3 (MANE Select); coding-DNA position 545, T replaced by A.
Protein change: p.Ile182Lys; replaces isoleucine 182 with lysine.
Molecular consequence: missense variant.
Genome position (GRCh38, 1-based): chr5:149,934,648, A>T on the plus strand (T>A on the coding strand, the complement: PDE6A is on the minus strand). VCF-style: chr5-149934648-A-T. GRCh37 (hg19) VCF-style: chr5-149314211-A-T.
Other names: c.545T>A (NM_000440.2); short protein forms I182K.
Identifiers: ClinVar variation 1512839 (VCV001512839.7), dbSNP rs773613457, ClinGen allele CA3505022.
Genomic context (GRCh38, chr5:149,934,648, plus strand): 5'-TGGGATCCATCCACTTTATTCACAGCCATGATTATGGCCACCACATCCTTCCCATTCATT[A>T]TGGGGGAAGCCAAGATGTTCTTGGTCTTGTACTCTGTGAGGATGTCCACAAAGTCACAGA-3'
Protein context (NP_000431.2, residues 172-192): YKTKNILASP[Ile182Lys]MNGKDVVAII